The following is an entry in ClinVar:

NM_015272.5(RPGRIP1L):c.1603del (p.Arg535fs)

Gene: RPGRIP1L (RPGRIP1 like; minus strand). Cytogenetic location: 16q12.2.
Variant type: Deletion.
Coding change: c.1603del on transcript NM_015272.5 (MANE Select); coding-DNA position 1603, one base deleted (C; older notation c.1603delC).
Protein change: p.Arg535fs; shifts the reading frame from arginine 535.
Molecular consequence: frameshift variant.
Genome position (GRCh38, 1-based): chr16:53,656,568, G deleted on the plus strand (C on the coding strand, the reverse complement: RPGRIP1L is on the minus strand); the first of 3 consecutive G bases (chr16:53,656,568-53,656,570); deleting any one gives the same sequence. VCF-style (leftmost placement, unchanged base first): chr16-53656567-CG-C. GRCh37 (hg19) VCF-style: chr16-53690479-CG-C.
Other names: c.1603delC (NM_015272.4); c.1603del, p.Arg535fs (NM_001127897.4, NM_001308334.3, NM_001330538.2); short protein forms R535fs.
Identifiers: ClinVar variation 947460 (VCV000947460.9), dbSNP rs771264753, ClinGen allele CA281346543.

ClinVar aggregate classification (germline): Pathogenic/Likely pathogenic. Review status: criteria provided, multiple submitters, no conflicts (2 of 4 stars). 2 submissions from 2 submitters: Pathogenic (1); Likely pathogenic (1). Last evaluated 2025-04-02.

Conditions:
RPGRIP1L-related disorder. Also called: RPGRIP1L-related disorders; RPGRIP1L-related condition. Identifiers: MedGen CN239416.
Meckel-Gruber syndrome. Also called: DYSENCEPHALIA SPLANCHNOCYSTICA; Dysencephalia splachnocystica; GRUBER SYNDROME. Identifiers: Orphanet 564, MedGen C0265215, MONDO:0018921.
Joubert syndrome. Also called: Familial aplasia of the vermis; JOUBERT-BOLTSHAUSER SYNDROME. Identifiers: Orphanet 475, MedGen C5979921, MONDO:0018772.

Submissions (2):

PreventionGenetics, part of Exact Sciences
Classification: Likely pathogenic for RPGRIP1L-related condition. Last evaluated: 2025-04-02. Review status: criteria provided, single submitter. Criteria: ACMG Guidelines, 2015. Collection method: clinical testing. Allele origin: germline.
Comment: The RPGRIP1L c.1603delC variant is predicted to result in a frameshift and premature protein termination (p.Arg535Valfs*31). To our knowledge, this variant has not been reported in the literature or in a large population database (gnomAD), indicating this variant is rare. Frameshift variants in RPGRIP1L are expected to be pathogenic. This variant is interpreted as likely pathogenic.

Labcorp Genetics (formerly Invitae), Labcorp
Classification: Pathogenic for Joubert syndrome; Meckel-Gruber syndrome. Last evaluated: 2023-09-21. Review status: criteria provided, single submitter. Criteria: Invitae Variant Classification Sherloc (09022015). Collection method: clinical testing. Allele origin: germline.
Comment: For these reasons, this variant has been classified as Pathogenic. ClinVar contains an entry for this variant (Variation ID: 947460). This variant has not been reported in the literature in individuals affected with RPGRIP1L-related conditions. This variant is not present in population databases (gnomAD no frequency). This sequence change creates a premature translational stop signal (p.Arg535Valfs*31) in the RPGRIP1L gene. It is expected to result in an absent or disrupted protein product. Loss-of-function variants in RPGRIP1L are known to be pathogenic (PMID: 17558409).

Literature cited by the submitters: PubMed 17558409 (cited by Labcorp Genetics (formerly Invitae), Labcorp).